The following is an entry in ClinVar:

NM_000439.5(PCSK1):c.930G>A (p.Gly310=)

Genes: CAST (calpastatin; plus strand), PCSK1 (proprotein convertase subtilisin/kexin type 1; minus strand), LOC101929710 (uncharacterized LOC101929710; plus strand). Cytogenetic location: 5q15.
Variant type: single nucleotide variant.
Coding change: c.930G>A on transcript NM_000439.5 (MANE Select); coding-DNA position 930, G replaced by A.
Protein change: p.Gly310=; no amino-acid change (glycine 310 retained).
Molecular consequence: synonymous variant. On other transcripts: intron variant (11).
Genome position (GRCh38, 1-based): chr5:96,410,939, C>T on the plus strand (G>A on the coding strand, the complement: PCSK1 is on the minus strand). VCF-style: chr5-96410939-C-T. GRCh37 (hg19) VCF-style: chr5-95746643-C-T.
Other names: c.789G>A, p.Gly263= (NM_001177875.2); c.-175+31287C>T (NM_001423254.1, NM_001423259.1, NM_001423255.1 and 6 more transcripts); c.-103+31287C>T (NM_001423253.1); c.-40+31287C>T (NM_001423258.1).
Identifiers: ClinVar variation 3355442 (VCV003355442.1).
Genomic context (GRCh38, chr5:96,410,939, plus strand): 5'-GGAGATGGTGTAGATGCTGTCTGTGTAGCCATCACAGTCACAATTATCTCCCTGACGCCC[C>T]CCGTTTCCCGAAGCCCAGACGAAGATGGACCCCTTCCCCTGTCTCCCCTAAAGGAAAAGC-3'
Protein context (NP_000430.3, residues 300-320): GSIFVWASGN[Gly310=]GRQGDNCDCD

ClinVar aggregate classification (germline): Likely benign (0 of 4 stars; one submission).

Conditions:
PCSK1-related disorder. Also called: PCSK1-related condition.

gnomAD v4.1: 1 of 1,613,842 alleles (0.000062%); highest among the groups gnomAD compares: African/African-American, 0.0013%; no homozygotes.

Submission:

PreventionGenetics, part of Exact Sciences
Classification: Likely benign for PCSK1-related condition. Last evaluated: 2022-02-14. Review status: no assertion criteria provided. Collection method: clinical testing. Allele origin: germline.
Comment: This variant is classified as likely benign based on ACMG/AMP sequence variant interpretation guidelines (Richards et al. 2015 PMID: 25741868, with internal and published modifications).